The following is an entry in ClinVar:

NM_138694.4(PKHD1):c.11524C>T (p.Arg3842Ter)

Gene: PKHD1 (PKHD1 ciliary IPT domain containing fibrocystin/polyductin; minus strand). Cytogenetic location: 6p12.3.
Variant type: single nucleotide variant.
Coding change: c.11524C>T on transcript NM_138694.4 (MANE Select); coding-DNA position 11524, C replaced by T.
Protein change: p.Arg3842Ter; replaces arginine 3842 with a stop codon.
Molecular consequence: nonsense.
Genome position (GRCh38, 1-based): chr6:51,632,706, G>A on the plus strand (C>T on the coding strand, the complement: PKHD1 is on the minus strand). VCF-style: chr6-51632706-G-A. GRCh37 (hg19) VCF-style: chr6-51497504-G-A.
Other names: short protein forms R3842*.
Identifiers: ClinVar variation 188754 (VCV000188754.19), dbSNP rs746471701, ClinGen allele CA273916.

ClinVar aggregate classification (germline): Pathogenic/Likely pathogenic. Review status: criteria provided, multiple submitters, no conflicts (2 of 4 stars). 6 submissions from 6 submitters: Pathogenic (4); Likely pathogenic (1). 1 of the submissions does not count toward it. Last evaluated 2025-07-08.

Conditions:
Polycystic kidney disease 4 (PKD4). Also called: POLYCYSTIC KIDNEY AND HEPATIC DISEASE 1; POLYCYSTIC KIDNEY DISEASE, INFANTILE, TYPE I; POLYCYSTIC KIDNEY DISEASE 4 WITH OR WITHOUT POLYCYSTIC LIVER DISEASE; PKD3; Autosomal Recessive Polycystic Kidney Disease – PKHD1. Identifiers: MedGen C4540575, MONDO:0033004, OMIM 263200.
PKHD1-related disorder. Also called: PKHD1-related condition.
Autosomal recessive polycystic kidney disease (ARPKD). Also called: AR polycystic kidney disease. Identifiers: Orphanet 731, Orphanet 8378, MedGen C0085548, MeSH D017044, MONDO:0009889.

Allele frequency attached by ClinVar (database versions not stated): gnomAD 0.00001; gnomAD exomes 0.00001 and 0.00002; ExAC 0.00002.
gnomAD v4.1: 11 of 1,613,098 alleles (0.00068%); highest among the groups gnomAD compares: Middle Eastern, 0.016%; no homozygotes.

Submissions (6):

Natera, Inc.
Classification: Pathogenic for Autosomal recessive polycystic kidney disease. Last evaluated: 2025-07-08. Review status: criteria provided, single submitter. Criteria: Natera Variant Classification Schema (03/2026). Collection method: clinical testing. Allele origin: germline.
Comment: The c.11524C>T variant in PKHD1 is a nonsense variant predicted to introduce a stop codon at amino acid 3842. This variant is expected to result in nonsense mediated decay, truncation, or a dysfunctional protein product. This variant is rare in the general population with a frequency below the threshold expected for the associated phenotype(s). This variant has been observed in one or more individuals affected with the associated recessive disease, as either homozygous or compound heterozygous with a second variant (PMID: 15805161). Given the available evidence, this variant is classified as Pathogenic.

Baylor Genetics
Classification: Pathogenic for Polycystic kidney disease 4. Last evaluated: 2024-03-27. Review status: criteria provided, single submitter. Criteria: ACMG Guidelines, 2015. Collection method: clinical testing. Allele origin: unknown.

Labcorp Genetics (formerly Invitae), Labcorp
Classification: Pathogenic for Autosomal recessive polycystic kidney disease. Last evaluated: 2022-07-20. Review status: criteria provided, single submitter. Criteria: Invitae Variant Classification Sherloc (09022015). Collection method: clinical testing. Allele origin: germline.
Comment: ClinVar contains an entry for this variant (Variation ID: 188754). This premature translational stop signal has been observed in individual(s) with clinical features of polycystic kidney disease (PMID: 15805161). This variant is present in population databases (rs746471701, gnomAD 0.006%). This sequence change creates a premature translational stop signal (p.Arg3842*) in the PKHD1 gene. It is expected to result in an absent or disrupted protein product. Loss-of-function variants in PKHD1 are known to be pathogenic (PMID: 19940839). For these reasons, this variant has been classified as Pathogenic.

Women's Health and Genetics/Laboratory Corporation of America, LabCorp
Classification: Pathogenic for Autosomal recessive polycystic kidney disease. Last evaluated: 2022-05-06. Review status: criteria provided, single submitter. Criteria: LabCorp Variant Classification Summary - May 2015. Collection method: clinical testing. Allele origin: germline.
Comment: Variant summary: PKHD1 c.11524C>T (p.Arg3842X) results in a premature termination codon, predicted to cause a truncation of the encoded protein or absence of the protein due to nonsense mediated decay, which are commonly known mechanisms for disease. The variant allele was found at a frequency of 1.6e-05 in 250860 control chromosomes. c.11524C>T has been reported in the literature in compound heterozygosity in at-least one individual affected with Autosomal Recessive Polycystic Kidney And Hepatic Disease and also subsequently cited by others (example, Sharp_2005, Denamur_2010). To our knowledge, no experimental evidence demonstrating an impact on protein function has been reported. One clinical diagnostic laboratory has submitted clinical-significance assessments for this variant to ClinVar after 2014 without evidence for independent evaluation and classified the variant as pathogenic. Based on the evidence outlined above, the variant was classified as pathogenic.

Blueprint Genetics
Classification: Likely pathogenic for PKHD1-related disorders. Last evaluated: 2022-02-21. Review status: criteria provided, single submitter. Criteria: ACMG Guidelines, 2015. Collection method: clinical testing. Allele origin: germline. Affected: yes. Observed: 1 variant allele.

Counsyl
Classification: Likely pathogenic for Polycystic kidney disease, infantile type. Last evaluated: 2014-04-08. Review status: no assertion criteria provided. Collection method: literature only. Allele origin: unknown. Inheritance: Autosomal recessive inheritance. Not counted in ClinVar's aggregate classification.

Literature cited by the submitters: PubMed 15805161 (cited by 4 submitters); PubMed 19940839 (cited by 3 submitters).